The following is an entry in ClinVar:

NM_001184.4(ATR):c.2899C>G (p.Gln967Glu)

Gene: ATR (ATR checkpoint kinase; minus strand). Cytogenetic location: 3q23.
Variant type: single nucleotide variant.
Coding change: c.2899C>G on transcript NM_001184.4 (MANE Select); coding-DNA position 2899, C replaced by G.
Protein change: p.Gln967Glu; replaces glutamine 967 with glutamic acid.
Molecular consequence: missense variant.
Genome position (GRCh38, 1-based): chr3:142,550,209, G>C on the plus strand (C>G on the coding strand, the complement: ATR is on the minus strand). VCF-style: chr3-142550209-G-C. GRCh37 (hg19) VCF-style: chr3-142269051-G-C.
Other names: c.2707C>G, p.Gln903Glu (NM_001354579.2); short protein forms Q903E, Q967E.
Identifiers: ClinVar variation 1015365 (VCV001015365.8), dbSNP rs774799442, ClinGen allele CA354812793.

ClinVar aggregate classification (germline): Uncertain significance (1 of 4 stars; one submission).

Submission:

Labcorp Genetics (formerly Invitae), Labcorp
Classification: Uncertain significance. Last evaluated: 2020-05-27. Review status: criteria provided, single submitter. Criteria: Invitae Variant Classification Sherloc (09022015). Collection method: clinical testing. Allele origin: germline.
Comment: In summary, the available evidence is currently insufficient to determine the role of this variant in disease. Therefore, it has been classified as a Variant of Uncertain Significance. Algorithms developed to predict the effect of missense changes on protein structure and function (SIFT, PolyPhen-2, Align-GVGD) all suggest that this variant is likely to be tolerated, but these predictions have not been confirmed by published functional studies and their clinical significance is uncertain. This variant has not been reported in the literature in individuals with ATR-related conditions. This variant is not present in population databases (ExAC no frequency). This sequence change replaces glutamine with glutamic acid at codon 967 of the ATR protein (p.Gln967Glu). The glutamine residue is moderately conserved and there is a small physicochemical difference between glutamine and glutamic acid.